The following is an entry in ClinVar:

NM_020779.4(WDR35):c.*1050T>C

Gene: WDR35 (WD repeat domain 35; minus strand). Cytogenetic location: 2p24.1.
Variant type: single nucleotide variant.
Coding change: c.*1050T>C on transcript NM_020779.4 (MANE Select); 1050 bases downstream of the stop codon, T replaced by C.
Molecular consequence: 3 prime UTR variant.
Genome position (GRCh38, 1-based): chr2:19,912,508, A>G on the plus strand (T>C on the coding strand, the complement: WDR35 is on the minus strand). VCF-style: chr2-19912508-A-G. GRCh37 (hg19) VCF-style: chr2-20112269-A-G.
Other names: c.*1050T>C (NM_001006657.2).
Identifiers: ClinVar variation 333353 (VCV000333353.6), dbSNP rs10197890, ClinGen allele CA10613676.
Genomic context (GRCh38, chr2:19,912,508, plus strand): 5'-AGCTCACTATTCCCAATCTGCAACATGCTGAACTTGTCTCTGTCTCTACAAGACAAAAAC[A>G]TATGAGATTGAGAAAGTGTATTGTAGCTGCAAAAACAAAGTTGCGTATCTCTATGTATTG-3'

ClinVar aggregate classification (germline): Benign. Review status: criteria provided, multiple submitters, no conflicts (2 of 4 stars). 3 submissions from 2 submitters: Benign (3). Last evaluated 2018-01-12.

Conditions:
Short-rib thoracic dysplasia 7 with or without polydactyly (SRTD7). Also called: Short rib polydactyly syndrome 5; SHORT-RIB THORACIC DYSPLASIA 7 WITH POLYDACTYLY. Identifiers: Orphanet 498497, Orphanet 93271, MedGen C3279792, MONDO:0013569, OMIM 614091.
Cranioectodermal dysplasia 2 (CED2). Identifiers: Orphanet 1515, MedGen C3150874, MONDO:0013323, OMIM 613610.

Allele frequency attached by ClinVar (database versions not stated): 1000 Genomes Project 0.09285; 1000 Genomes Project 30x 0.09619; gnomAD 0.09844 and 0.10201; TOPMed 0.10274.

Submissions (3):

Illumina Laboratory Services, Illumina
Classification: Benign for Short-rib thoracic dysplasia 7 with or without polydactyly. Last evaluated: 2018-01-12. Review status: criteria provided, single submitter. Criteria: ICSL Variant Classification Criteria 13 December 2019. Collection method: clinical testing. Allele origin: germline.
Comment: This variant was observed in the ICSL laboratory as part of a predisposition screen in an ostensibly healthy population. It had not been previously curated by ICSL or reported in the Human Gene Mutation Database (HGMD: prior to June 1st, 2018), and was therefore a candidate for classification through an automated scoring system. Utilizing variant allele frequency, disease prevalence and penetrance estimates, and inheritance mode, an automated score was calculated to assess if this variant is too frequent to cause the disease. Based on the score and internal cut-off values, a variant classified as benign is not then subjected to further curation. The score for this variant resulted in a classification of benign for this disease.

Illumina Laboratory Services, Illumina
Classification: Benign for Cranioectodermal dysplasia 2. Last evaluated: 2018-01-12. Review status: criteria provided, single submitter. Criteria: ICSL Variant Classification Criteria 13 December 2019. Collection method: clinical testing. Allele origin: germline.
Comment: the same text as in the submission from Illumina Laboratory Services, Illumina above.

Breakthrough Genomics
Classification: Benign. Review status: criteria provided, single submitter. Criteria: ACMG Guidelines, 2015. Collection method: not provided. Allele origin: germline. Inheritance: Autosomal recessive inheritance. Affected: yes.